The following is an entry in ClinVar:

NM_000430.4(PAFAH1B1):c.193-3A>T

Gene: PAFAH1B1 (platelet activating factor acetylhydrolase 1b regulatory subunit 1; plus strand). Cytogenetic location: 17p13.3.
Variant type: single nucleotide variant.
Coding change: c.193-3A>T on transcript NM_000430.4 (MANE Select); 3 bases into the intron before coding-DNA position 193, A replaced by T.
Molecular consequence: intron variant.
Genome position (GRCh38, 1-based): chr17:2,666,989, A>T. VCF-style: chr17-2666989-A-T. GRCh37 (hg19) VCF-style: chr17-2570283-A-T.
Identifiers: ClinVar variation 4775087 (VCV004775087.1).

ClinVar aggregate classification (germline): Uncertain significance (1 of 4 stars; one submission).

gnomAD v4.1: 4 of 1,606,246 alleles (0.00025%); highest among the groups gnomAD compares: East Asian, 0.0067%; no homozygotes.

Submission:

Labcorp Genetics (formerly Invitae), Labcorp
Classification: Uncertain significance. Last evaluated: 2025-12-13. Review status: criteria provided, single submitter. Criteria: Invitae Variant Classification Sherloc (09022015). Collection method: clinical testing. Allele origin: germline.
Comment: This sequence change falls in intron 4 of the PAFAH1B1 gene. It does not directly change the encoded amino acid sequence of the PAFAH1B1 protein. It affects a nucleotide within the consensus splice site. This variant is present in population databases (no rsID available, gnomAD 0.01%). This variant has not been reported in the literature in individuals affected with PAFAH1B1-related conditions. Variants that disrupt the consensus splice site are a relatively common cause of aberrant splicing (PMID: 17576681, 9536098). Algorithms developed to predict the effect of sequence changes on RNA splicing suggest that this variant is not likely to affect RNA splicing. In summary, the available evidence is currently insufficient to determine the role of this variant in disease. Therefore, it has been classified as a Variant of Uncertain Significance.

Literature cited by the submitters: PubMed 17576681; PubMed 9536098.